The following is an entry in ClinVar:

ClinVar aggregate classification (germline): Uncertain significance (1 of 4 stars; one submission).

Conditions:
KIDINS220-related disorder. Also called: KIDINS220-related condition.

gnomAD v4.1: 14 of 1,614,056 alleles (0.00087%); highest among the groups gnomAD compares: African/African-American, 0.0027%; no homozygotes.

Submission:

PreventionGenetics, part of Exact Sciences
Classification: Uncertain significance for KIDINS220-related condition. Last evaluated: 2025-01-29. Review status: criteria provided, single submitter. Criteria: ACMG Guidelines, 2015. Collection method: clinical testing. Allele origin: germline.
Comment: The KIDINS220 c.4963G>A variant is predicted to result in the amino acid substitution p.Glu1655Lys. To our knowledge, this variant has not been reported in the literature. This variant is reported in 0.0029% of alleles in individuals of Latino descent in gnomAD. At this time, the clinical significance of this variant is uncertain due to the absence of conclusive functional and genetic evidence.

NM_020738.4(KIDINS220):c.4963G>A (p.Glu1655Lys)

Gene: KIDINS220 (kinase D interacting substrate 220; minus strand). Cytogenetic location: 2p25.1.
Variant type: single nucleotide variant.
Coding change: c.4963G>A on transcript NM_020738.4 (MANE Select); coding-DNA position 4963, G replaced by A.
Protein change: p.Glu1655Lys; replaces glutamic acid 1655 with lysine.
Molecular consequence: missense variant. On other transcripts: intron variant (6).
Genome position (GRCh38, 1-based): chr2:8,731,073, C>T on the plus strand (G>A on the coding strand, the complement: KIDINS220 is on the minus strand). VCF-style: chr2-8731073-C-T. GRCh37 (hg19) VCF-style: chr2-8871203-C-T.
Other names: c.4966G>A, p.Glu1656Lys (NM_001348729.2); c.4909G>A, p.Glu1637Lys (NM_001348731.2); c.4906G>A, p.Glu1636Lys (NM_001348732.2); c.4795G>A, p.Glu1599Lys (NM_001348734.2); c.4792G>A, p.Glu1598Lys (NM_001348735.2); c.4666G>A, p.Glu1556Lys (NM_001348736.2); c.3882+2371G>A (NM_001348741.2, NM_001348742.2, NM_001348743.2); c.3996+2371G>A (NM_001348738.2); and 1 more; short protein forms E1556K, E1598K, E1599K, E1636K, E1637K, E1655K, E1656K.
Identifiers: ClinVar variation 3354841 (VCV003354841.2).